The following is an entry in ClinVar:

ClinVar aggregate classification (germline): Uncertain significance (1 of 4 stars; one submission).

Conditions:
Alstrom syndrome (ALMS). Identifiers: Orphanet 64, MedGen C0268425, MONDO:0008763, OMIM 203800.

Allele frequency attached by ClinVar (database versions not stated): TOPMed 0.00001; ExAC 0.00002; gnomAD 0.00002.
gnomAD v4.1: 15 of 1,614,034 alleles (0.00093%); highest among the groups gnomAD compares: South Asian, 0.0099%; no homozygotes.

Submission:

Labcorp Genetics (formerly Invitae), Labcorp
Classification: Uncertain significance for Alstrom syndrome. Last evaluated: 2025-11-20. Review status: criteria provided, single submitter. Criteria: Invitae Variant Classification Sherloc (09022015). Collection method: clinical testing. Allele origin: germline.
Comment: This sequence change replaces isoleucine, which is neutral and non-polar, with valine, which is neutral and non-polar, at codon 2716 of the ALMS1 protein (p.Ile2716Val). This variant is present in population databases (rs758496919, gnomAD 0.01%). This variant has not been reported in the literature in individuals affected with ALMS1-related conditions. ClinVar contains an entry for this variant (Variation ID: 1907177). Experimental studies and prediction algorithms are not available or were not evaluated, and the functional significance of this variant is currently unknown. In summary, the available evidence is currently insufficient to determine the role of this variant in disease. Therefore, it has been classified as a Variant of Uncertain Significance.

NM_001378454.1(ALMS1):c.8143A>G (p.Ile2715Val)

Gene: ALMS1 (ALMS1 centrosome and basal body associated protein; plus strand). Cytogenetic location: 2p13.1.
Variant type: single nucleotide variant.
Coding change: c.8143A>G on transcript NM_001378454.1 (MANE Select); coding-DNA position 8143, A replaced by G.
Protein change: p.Ile2715Val; replaces isoleucine 2715 with valine.
Molecular consequence: missense variant.
Genome position (GRCh38, 1-based): chr2:73,490,102, A>G. VCF-style: chr2-73490102-A-G. GRCh37 (hg19) VCF-style: chr2-73717229-A-G.
Other names: c.8146A>G, p.Ile2716Val (NM_015120.4); short protein forms I2715V, I2716V.
Identifiers: ClinVar variation 1907177 (VCV001907177.4), dbSNP rs758496919, ClinGen allele CA1714414.
Genomic context (GRCh38, chr2:73,490,102, plus strand): 5'-GATTTTCATTCTTCATCACAAATGCCGTCCCCAGAACCCATGAAAAAGTTTACTACCTCC[A>G]TCACTTTTTCATCTCACCGACATTCTAAATGCATTTCCAATTCCTCTGTTGTTAAGGTTG-3'
Protein context (NP_001365383.1, residues 2705-2725): PEPMKKFTTS[Ile2715Val]TFSSHRHSKC